The following is an entry in ClinVar:

ClinVar aggregate classification (germline): Likely benign. Review status: criteria provided, multiple submitters, no conflicts (2 of 4 stars). 3 submissions from 3 submitters: Likely benign (2). 1 of the submissions does not count toward it. Last evaluated 2025-07-30.

Conditions:
PTPN23-related disorder. Also called: PTPN23-related condition.

Allele frequency attached by ClinVar (database versions not stated): ExAC 0.00003; gnomAD 0.00003; gnomAD exomes 0.00003 and 0.00004; ESP Exome Variant Server 0.00008.
gnomAD v4.1: 65 of 1,531,140 alleles (0.0042%); highest among the groups gnomAD compares: East Asian, 0.019%; no homozygotes.

Submissions (3):

Labcorp Genetics (formerly Invitae), Labcorp
Classification: Likely benign. Last evaluated: 2025-07-30. Review status: criteria provided, single submitter. Criteria: Invitae Variant Classification Sherloc (09022015). Collection method: clinical testing. Allele origin: germline.

Blueprint Genetics
Classification: Likely benign. Last evaluated: 2023-08-01. Review status: criteria provided, single submitter. Criteria: ACMG Guidelines, 2015. Collection method: clinical testing. Allele origin: germline.

PreventionGenetics, part of Exact Sciences
Classification: Likely benign for PTPN23-related condition. Last evaluated: 2019-09-19. Review status: no assertion criteria provided. Collection method: clinical testing. Allele origin: germline. Not counted in ClinVar's aggregate classification.
Comment: This variant is classified as likely benign based on ACMG/AMP sequence variant interpretation guidelines (Richards et al. 2015 PMID: 25741868, with internal and published modifications).

NM_015466.4(PTPN23):c.4686G>A (p.Pro1562=)

Gene: PTPN23 (protein tyrosine phosphatase non-receptor type 23; plus strand). Cytogenetic location: 3p21.31.
Variant type: single nucleotide variant.
Coding change: c.4686G>A on transcript NM_015466.4 (MANE Select); coding-DNA position 4686, G replaced by A.
Protein change: p.Pro1562=; no amino-acid change (proline 1562 retained).
Molecular consequence: synonymous variant.
Genome position (GRCh38, 1-based): chr3:47,412,960, G>A. VCF-style: chr3-47412960-G-A. GRCh37 (hg19) VCF-style: chr3-47454450-G-A.
Other names: c.4308G>A, p.Pro1436= (NM_001304482.2); c.4686G>A (NM_015466.3).
Identifiers: ClinVar variation 1538590 (VCV001538590.11), dbSNP rs371856828, ClinGen allele CA2366682.